The following is an entry in ClinVar:

NM_005560.6(LAMA5):c.7239+4_7239+5delinsCA

Gene: LAMA5 (laminin subunit alpha 5; minus strand). Cytogenetic location: 20q13.33.
Variant type: Indel.
Coding change: c.7239+4_7239+5delinsCA on transcript NM_005560.6 (MANE Select); bases 4 to 5 of the intron after coding-DNA position 7239, AG replaced by CA.
Molecular consequence: intron variant.
Genome position (GRCh38, 1-based): chr20:62,318,449-62,318,450, CT replaced by TG on the plus strand (AG replaced by CA on the coding strand, the reverse complement: LAMA5 is on the minus strand). VCF-style: chr20-62318449-CT-TG. GRCh37 (hg19) VCF-style: chr20-60893505-CT-TG.
Identifiers: ClinVar variation 2189859 (VCV002189859.3), dbSNP rs2515975736, ClinGen allele CA2580098337.
Genomic context (GRCh38, chr20:62,318,449, plus strand): 5'-GGAGAGGGATTGCAGGGAGGAGGCGGGAAGAGGAGCAGGAGGAAGAACAAGTCCGGGGTC[CT>TG]CACCAGGGCTTCCTCCAGGCGCTCCTGGTTGCGGCTGTTGAGCTCCTGGGCCTCCCGTGT-3'

ClinVar aggregate classification (germline): Uncertain significance. Review status: criteria provided, multiple submitters, no conflicts (2 of 4 stars). 2 submissions from 2 submitters: Uncertain significance (2). Last evaluated 2023-06-14.

Submissions (2):

Mayo Clinic Laboratories, Mayo Clinic
Classification: Uncertain significance. Last evaluated: 2023-06-14. Review status: criteria provided, single submitter. Criteria: ACMG Guidelines, 2015. Collection method: clinical testing. Allele origin: germline. Observed: 1 variant allele.
Comment: PP3, PM2

Labcorp Genetics (formerly Invitae), Labcorp
Classification: Uncertain significance. Last evaluated: 2022-07-22. Review status: criteria provided, single submitter. Criteria: Invitae Variant Classification Sherloc (09022015). Collection method: clinical testing. Allele origin: germline.
Comment: This sequence change falls in intron 53 of the LAMA5 gene. It does not directly change the encoded amino acid sequence of the LAMA5 protein. It affects a nucleotide within the consensus splice site. Information on the frequency of this variant in the gnomAD database is not available, as this variant may be reported differently in the database. This variant has not been reported in the literature in individuals affected with LAMA5-related conditions. Variants that disrupt the consensus splice site are a relatively common cause of aberrant splicing (PMID: 17576681, 9536098). Experimental studies and prediction algorithms are not available or were not evaluated, and the effect of this variant on mRNA splicing is currently unknown. In summary, the available evidence is currently insufficient to determine the role of this variant in disease. Therefore, it has been classified as a Variant of Uncertain Significance.

Literature cited by the submitters: PubMed 17576681 (cited by Labcorp Genetics (formerly Invitae), Labcorp); PubMed 9536098 (cited by Labcorp Genetics (formerly Invitae), Labcorp).